The following is an entry in ClinVar:

NM_199355.4(ADAMTS18):c.2287+2T>G

Gene: ADAMTS18 (ADAM metallopeptidase with thrombospondin type 1 motif 18; minus strand). Cytogenetic location: 16q23.1.
Variant type: single nucleotide variant.
Coding change: c.2287+2T>G on transcript NM_199355.4 (MANE Select); the canonical splice donor site of the intron after coding-DNA position 2287, T replaced by G.
Molecular consequence: splice donor variant.
Genome position (GRCh38, 1-based): chr16:77,321,077, A>C on the plus strand (T>G on the coding strand, the complement: ADAMTS18 is on the minus strand). VCF-style: chr16-77321077-A-C. GRCh37 (hg19) VCF-style: chr16-77354974-A-C.
Other names: c.1771+2T>G (NM_001326358.2).
Identifiers: ClinVar variation 1066733 (VCV001066733.7), dbSNP rs2144639924, ClinGen allele CA396828140.
Genomic context (GRCh38, chr16:77,321,077, plus strand): 5'-CAAACTTGTTTGGTAGCAAAAGTTGTATCTCATTAACAATAACAAACAGCAGCATCTCTC[A>C]CCATTTGCTTTATGCTGGTTGAGGTACAGGCCTTTATAAAACTTGCAAGTTGAATTATCA-3'

ClinVar aggregate classification (germline): Likely pathogenic (1 of 4 stars; one submission).

Submission:

Labcorp Genetics (formerly Invitae), Labcorp
Classification: Likely pathogenic. Last evaluated: 2022-07-12. Review status: criteria provided, single submitter. Criteria: Invitae Variant Classification Sherloc (09022015). Collection method: clinical testing. Allele origin: germline.
Comment: In summary, the currently available evidence indicates that the variant is pathogenic, but additional data are needed to prove that conclusively. Therefore, this variant has been classified as Likely Pathogenic. Algorithms developed to predict the effect of sequence changes on RNA splicing suggest that this variant may disrupt the consensus splice site. ClinVar contains an entry for this variant (Variation ID: 1066733). This variant has not been reported in the literature in individuals affected with ADAMTS18-related conditions. This variant is not present in population databases (gnomAD no frequency). This sequence change affects a donor splice site in intron 15 of the ADAMTS18 gene. It is expected to disrupt RNA splicing. Variants that disrupt the donor or acceptor splice site typically lead to a loss of protein function (PMID: 16199547), and loss-of-function variants in ADAMTS18 are known to be pathogenic (PMID: 23818446, 24874986).

Literature cited by the submitters: PubMed 16199547; PubMed 23818446; PubMed 24874986.